The following is an entry in ClinVar:

NM_139058.3(ARX):c.227A>G (p.Glu76Gly)

Gene: ARX (aristaless related homeobox; minus strand). Cytogenetic location: Xp21.3.
Variant type: single nucleotide variant.
Coding change: c.227A>G on transcript NM_139058.3 (MANE Select); coding-DNA position 227, A replaced by G.
Protein change: p.Glu76Gly; replaces glutamic acid 76 with glycine.
Molecular consequence: missense variant.
Genome position (GRCh38, 1-based): chrX:25,013,768, T>C on the plus strand (A>G on the coding strand, the complement: ARX is on the minus strand). VCF-style: chrX-25013768-T-C. GRCh37 (hg19) VCF-style: chrX-25031885-T-C.
Other names: short protein forms E76G.
Identifiers: ClinVar variation 1052123 (VCV001052123.9), dbSNP rs2147324478, ClinGen allele CA412613609.

ClinVar aggregate classification (germline): Uncertain significance (1 of 4 stars; one submission).

Conditions:
Intellectual disability, X-linked, with or without seizures, ARX-related. Also called: INTELLECTUAL DEVELOPMENTAL DISORDER, X-LINKED 29; Mental retardation, X-linked 52; MENTAL RETARDATION, X-LINKED 29; MENTAL RETARDATION, X-LINKED 32; MENTAL RETARDATION, X-LINKED 33; MENTAL RETARDATION, X-LINKED 38. Identifiers: Orphanet 777, MedGen C0796244, MONDO:0010317, OMIM 300419.
Developmental and epileptic encephalopathy, 1 (DEE1). Also called: X-linked infantile spasms; West's syndrome; Tonic spasms with clustering, arrest of psychomotor development and hypsarrhythmia on EEG; X-Linked Infantile Spasm Syndrome; OHTAHARA SYNDROME, X-LINKED; Epileptic encephalopathy, early infantile, 1. Identifiers: MedGen C3463992, MONDO:0010632, OMIM 308350. Disease mechanism: loss of function.

Allele frequency attached by ClinVar (database versions not stated): gnomAD exomes 0.00001.
gnomAD v4.1: 1 of 928,947 alleles (0.00011%); highest among the groups gnomAD compares: Non-Finnish European, 0.00013%; no homozygotes.

Submission:

Labcorp Genetics (formerly Invitae), Labcorp
Classification: Uncertain significance for Developmental and epileptic encephalopathy, 1; Intellectual disability, X-linked, with or without seizures, ARX-related. Last evaluated: 2022-09-14. Review status: criteria provided, single submitter. Criteria: Invitae Variant Classification Sherloc (09022015). Collection method: clinical testing. Allele origin: germline.
Comment: This variant has not been reported in the literature in individuals affected with ARX-related conditions. The frequency data for this variant in the population databases is considered unreliable, as metrics indicate insufficient coverage at this position in the gnomAD database. This sequence change replaces glutamic acid, which is acidic and polar, with glycine, which is neutral and non-polar, at codon 76 of the ARX protein (p.Glu76Gly). ClinVar contains an entry for this variant (Variation ID: 1052123). In summary, the available evidence is currently insufficient to determine the role of this variant in disease. Therefore, it has been classified as a Variant of Uncertain Significance. Advanced modeling of protein sequence and biophysical properties (such as structural, functional, and spatial information, amino acid conservation, physicochemical variation, residue mobility, and thermodynamic stability) performed at Invitae indicates that this missense variant is not expected to disrupt ARX protein function.